The following is an entry in ClinVar:

NM_001048174.2(MUTYH):c.159CTC[1] (p.Ser55del)

Gene: MUTYH (mutY DNA glycosylase; minus strand). Cytogenetic location: 1p34.1.
Variant type: Microsatellite.
Coding change: c.159CTC[1] on transcript NM_001048174.2 (MANE Select); one copy of the 3-base unit CTC starting at c.159; the reference has two copies in a row; one copy, 3 bases deleted.
Protein change: p.Ser55del; deletes serine 55.
Molecular consequence: inframe deletion. On other transcripts: 5 prime UTR variant (1), non-coding transcript variant (2), intron variant (3).
Genome position (GRCh38, 1-based): chr1:45,333,513-45,333,515, GAG deleted on the plus strand (CTC on the coding strand, the reverse complement: MUTYH is on the minus strand); deleting any 3 consecutive bases within chr1:45,333,513-45,333,518 gives the same sequence; the position shown is the placement nearest the transcript's 3' end. VCF-style (leftmost placement, unchanged base first): chr1-45333512-TGAG-T. GRCh37 (hg19) VCF-style: chr1-45799184-TGAG-T.
Other names: c.159CTC[1], p.Ser55del (NM_001048171.2, NM_001048173.2, NM_001293195.2); c.162CTC[1], p.Ser56del (NM_001048172.2); c.243CTC[1], p.Ser83del (NM_001128425.2); c.204CTC[1], p.Ser70del (NM_001293190.2); c.192CTC[1], p.Ser66del (NM_001293191.2); c.-113CTC[1] (NM_001350650.2); c.234CTC[1], p.Ser80del (NM_012222.3); c.-92-18_-92-16del (NM_001350651.2); and 1 more; short protein forms S55del, S56del, S66del, S70del, S80del, S83del.
Identifiers: ClinVar variation 998989 (VCV000998989.8), dbSNP rs1645373048, ClinGen allele CA2473713287.
Genomic context (GRCh38, chr1:45,333,512, plus strand): 5'-CCAGCTTAGCAGGCTCCCTCGGAAGGCTGTGACTTCAGCTACGTCTCTGAATAGATGGTA[TGAG>T]GAGACAGAGGCCTGCAATACCACCTCTTCCGGCTGCCTGGCCAGGCCTGCTGGGGCCCCA-3'

ClinVar aggregate classification (germline): Uncertain significance (1 of 4 stars; one submission).

Conditions:
Familial adenomatous polyposis 2. Also called: COLORECTAL ADENOMATOUS POLYPOSIS, AUTOSOMAL RECESSIVE; ADENOMAS, MULTIPLE COLORECTAL, AUTOSOMAL RECESSIVE; Adenomas, multiple colorectal; FAP type 2; MUTYH Polyposis; MUTYH-associated polyposis. Identifiers: Orphanet 220460, Orphanet 247798, MedGen C3272841, MONDO:0012041, OMIM 608456.

Submission:

Labcorp Genetics (formerly Invitae), Labcorp
Classification: Uncertain significance for Familial adenomatous polyposis 2. Last evaluated: 2020-03-14. Review status: criteria provided, single submitter. Criteria: Invitae Variant Classification Sherloc (09022015). Collection method: clinical testing. Allele origin: germline.
Comment: This variant, c.246_248del, results in the deletion of 1 amino acid of the MUTYH protein (p.Ser83del), but otherwise preserves the integrity of the reading frame. This variant is not present in population databases (ExAC no frequency). This variant has not been reported in the literature in individuals with MUTYH-related conditions. Experimental studies and prediction algorithms are not available or were not evaluated, and the functional significance of this variant is currently unknown. In summary, the available evidence is currently insufficient to determine the role of this variant in disease. Therefore, it has been classified as a Variant of Uncertain Significance.